The following is an entry in ClinVar:

ClinVar aggregate classification (germline): Uncertain significance. Review status: criteria provided, multiple submitters, no conflicts (2 of 4 stars). 3 submissions from 3 submitters: Uncertain significance (3). Last evaluated 2025-08-11.

Conditions:
Classic or attenuated familial adenomatous polyposis. Identifiers: MedGen CN372698, MONDO:0021057.
Familial adenomatous polyposis 1 (FAP1). Also called: FAMILIAL ADENOMATOUS POLYPOSIS 1, ATTENUATED; POLYPOSIS, ADENOMATOUS INTESTINAL. Identifiers: MedGen C2713442, MONDO:0021056, OMIM 175100. Disease mechanism: loss of function.
Hereditary cancer-predisposing syndrome. Also called: Hereditary Cancer Syndrome; Tumor predisposition; Hereditary neoplastic syndrome; Neoplastic Syndromes, Hereditary. Identifiers: Orphanet 140162, MedGen C0027672, MeSH D009386, MONDO:0015356.

Allele frequency attached by ClinVar (database versions not stated): gnomAD exomes below 0.00001; ExAC 0.00001.
gnomAD v4.1: 5 of 1,603,128 alleles (0.00031%); highest among the groups gnomAD compares: South Asian, 0.0011%; no homozygotes.

Submissions (3):

Ambry Genetics
Classification: Uncertain significance for Hereditary cancer-predisposing syndrome. Last evaluated: 2025-08-11. Review status: criteria provided, single submitter. Criteria: Ambry Variant Classification Scheme 2023. Collection method: clinical testing. Allele origin: germline.
Comment: The p.N2812S variant (also known as c.8435A>G), located in coding exon 15 of the APC gene, results from an A to G substitution at nucleotide position 8435. The asparagine at codon 2812 is replaced by serine, an amino acid with highly similar properties. This amino acid position is conserved. In addition, in silico predictors for this gene do not accurately predict pathogenicity. Based on the available evidence, the clinical significance of this variant remains unclear.

All of Us Research Program, National Institutes of Health
Classification: Uncertain significance for Classic or attenuated familial adenomatous polyposis. Last evaluated: 2023-12-13. Review status: criteria provided, single submitter. Criteria: ACMG Guidelines, 2015. Collection method: clinical testing. Allele origin: germline. Inheritance: Autosomal dominant inheritance. Observed: 1 variant allele, 1 heterozygote.
Comment: This missense variant replaces asparagine with serine at codon 2812 of the APC protein. Computational prediction suggests that this variant may not impact protein structure and function (internally defined REVEL score threshold <= 0.5, PMID: 27666373). To our knowledge, functional studies have not been reported for this variant. This variant has not been reported in individuals affected with APC-related disorders in the literature. This variant has been identified in 1/238604 chromosomes in the general population by the Genome Aggregation Database (gnomAD). The available evidence is insufficient to determine the role of this variant in disease conclusively. Therefore, this variant is classified as a Variant of Uncertain Significance.

This study involves interpretation of variants in research participants for the purpose of population health screening. Participant phenotype was not available at the time of variant classification. Additional details can be found in publication PMID: 35346344, PMCID: PMC8962531

Labcorp Genetics (formerly Invitae), Labcorp
Classification: Uncertain significance for Familial adenomatous polyposis 1. Last evaluated: 2022-09-08. Review status: criteria provided, single submitter. Criteria: Invitae Variant Classification Sherloc (09022015). Collection method: clinical testing. Allele origin: germline.
Comment: In summary, the available evidence is currently insufficient to determine the role of this variant in disease. Therefore, it has been classified as a Variant of Uncertain Significance. Advanced modeling of protein sequence and biophysical properties (such as structural, functional, and spatial information, amino acid conservation, physicochemical variation, residue mobility, and thermodynamic stability) performed at Invitae indicates that this missense variant is not expected to disrupt APC protein function. ClinVar contains an entry for this variant (Variation ID: 1057460). This variant has not been reported in the literature in individuals affected with APC-related conditions. This variant is present in population databases (rs777495719, gnomAD 0.004%). This sequence change replaces asparagine, which is neutral and polar, with serine, which is neutral and polar, at codon 2812 of the APC protein (p.Asn2812Ser).

NM_000038.6(APC):c.8435A>G (p.Asn2812Ser)

Gene: APC (APC regulator of Wnt signaling pathway; plus strand). Cytogenetic location: 5q22.2.
Variant type: single nucleotide variant.
Coding change: c.8435A>G on transcript NM_000038.6 (MANE Select); coding-DNA position 8435, A replaced by G.
Protein change: p.Asn2812Ser; replaces asparagine 2812 with serine.
Molecular consequence: missense variant.
Genome position (GRCh38, 1-based): chr5:112,844,029, A>G. VCF-style: chr5-112844029-A-G. GRCh37 (hg19) VCF-style: chr5-112179726-A-G.
Other names: c.8435A>G (NM_000038.5); c.8435A>G, p.Asn2812Ser (NM_001127510.3, NM_001354895.2); c.8381A>G, p.Asn2794Ser (NM_001127511.3); c.8489A>G, p.Asn2830Ser (NM_001354896.2); c.8465A>G, p.Asn2822Ser (NM_001354897.2); c.8360A>G, p.Asn2787Ser (NM_001354898.2); c.8351A>G, p.Asn2784Ser (NM_001354899.2); c.8312A>G, p.Asn2771Ser (NM_001354900.2); and 6 more; short protein forms N2529S, N2652S, N2686S, N2711S, N2721S, N2753S, N2771S, N2784S.
Identifiers: ClinVar variation 1057460 (VCV001057460.12), dbSNP rs777495719, ClinGen allele CA050796.